The following is an entry in ClinVar:

NM_000163.5(GHR):c.182G>A (p.Arg61Gln)

Gene: GHR (growth hormone receptor; plus strand). Cytogenetic location: 5p12.
Variant type: single nucleotide variant.
Coding change: c.182G>A on transcript NM_000163.5 (MANE Select); coding-DNA position 182, G replaced by A.
Protein change: p.Arg61Gln; replaces arginine 61 with glutamine.
Molecular consequence: missense variant.
Genome position (GRCh38, 1-based): chr5:42,688,935, G>A. VCF-style: chr5-42688935-G-A. GRCh37 (hg19) VCF-style: chr5-42689037-G-A.
Other names: c.203G>A, p.Arg68Gln (NM_001242399.2); c.182G>A, p.Arg61Gln (NM_001242400.2, NM_001242401.4, NM_001242402.2 and 5 more transcripts); c.116G>A, p.Arg39Gln (NM_001242460.2); short protein forms R61Q, R68Q, R39Q.
Identifiers: ClinVar variation 353678 (VCV000353678.8), dbSNP rs747723725, ClinGen allele CA3254348.
Genomic context (GRCh38, chr5:42,688,935, plus strand): 5'-CTTTTTATTCTGCAGATTCTTCTAAGGAGCCTAAATTCACCAAGTGCCGTTCACCTGAGC[G>A]AGAGACTTTTTCATGCCACTGGACAGATGAGGTTCATCATGGTACAAAGAACCTAGGACC-3'
Protein context (NP_000154.1, residues 51-71): PKFTKCRSPE[Arg61Gln]ETFSCHWTDE

ClinVar aggregate classification (germline): Uncertain significance. Review status: criteria provided, multiple submitters, no conflicts (2 of 4 stars). 3 submissions from 3 submitters: Uncertain significance (3). Last evaluated 2025-06-18.

Conditions:
Laron-type isolated somatotropin defect. Also called: GROWTH HORMONE RECEPTOR DEFICIENCY; Laron Syndrome; Growth hormone binding protein deficiency or dysfunction; Growth hormone receptor deficiency or dysfunction; Laron dwarfism; Laron type pituitary dwarfism I. Identifiers: Orphanet 633, MedGen C0271568, MONDO:0009877, OMIM 262500.
Short stature due to partial GHR deficiency. Also called: GROWTH HORMONE DEFICIENCY, ISOLATED PARTIAL; GROWTH HORMONE INSENSITIVITY, PARTIAL; Growth hormone, insensitivity to, partial. Identifiers: Orphanet 314802, Orphanet 314811, MedGen C1858656, MONDO:0011420, OMIM 604271.

Allele frequency attached by ClinVar (database versions not stated): gnomAD exomes 0.00006; gnomAD 0.00007 and 0.00008; TOPMed 0.00007.
gnomAD v4.1: 101 of 1,613,210 alleles (0.0063%); highest among the groups gnomAD compares: South Asian, 0.013%; no homozygotes.

Submissions (3):

Institute of Human Genetics, University of Leipzig Medical Center
Classification: Uncertain significance for Short stature due to partial GHR deficiency. Last evaluated: 2025-06-18. Review status: criteria provided, single submitter. Criteria: ACMG Guidelines, 2015. Collection method: clinical testing. Allele origin: unknown. Inheritance: Autosomal dominant inheritance. Affected: yes.
Comment: Criteria applied: PM1

Labcorp Genetics (formerly Invitae), Labcorp
Classification: Uncertain significance. Last evaluated: 2025-04-15. Review status: criteria provided, single submitter. Criteria: Invitae Variant Classification Sherloc (09022015). Collection method: clinical testing. Allele origin: germline.
Comment: This sequence change replaces arginine, which is basic and polar, with glutamine, which is neutral and polar, at codon 61 of the GHR protein (p.Arg61Gln). This variant is present in population databases (rs747723725, gnomAD 0.01%). This variant has not been reported in the literature in individuals affected with GHR-related conditions. ClinVar contains an entry for this variant (Variation ID: 353678). Invitae Evidence Modeling of protein sequence and biophysical properties (such as structural, functional, and spatial information, amino acid conservation, physicochemical variation, residue mobility, and thermodynamic stability) indicates that this missense variant is not expected to disrupt GHR protein function with a negative predictive value of 95%. In summary, the available evidence is currently insufficient to determine the role of this variant in disease. Therefore, it has been classified as a Variant of Uncertain Significance.

Illumina Laboratory Services, Illumina
Classification: Uncertain significance for Laron-type isolated somatotropin defect. Last evaluated: 2018-01-12. Review status: criteria provided, single submitter. Criteria: ICSL Variant Classification Criteria 13 December 2019. Collection method: clinical testing. Allele origin: germline.